The following is an entry in ClinVar:

ClinVar aggregate classification (germline): Uncertain significance (1 of 4 stars; one submission).

Submission:

Labcorp Genetics (formerly Invitae), Labcorp
Classification: Uncertain significance. Last evaluated: 2023-05-15. Review status: criteria provided, single submitter. Criteria: Invitae Variant Classification Sherloc (09022015). Collection method: clinical testing. Allele origin: germline.
Comment: In summary, the available evidence is currently insufficient to determine the role of this variant in disease. Therefore, it has been classified as a Variant of Uncertain Significance. Advanced modeling of protein sequence and biophysical properties (such as structural, functional, and spatial information, amino acid conservation, physicochemical variation, residue mobility, and thermodynamic stability) performed at Invitae indicates that this missense variant is expected to disrupt LARS2 protein function. This missense change has been observed in individual(s) with clinical features of Perrault syndrome (Invitae). This variant is not present in population databases (gnomAD no frequency). This sequence change replaces tryptophan, which is neutral and slightly polar, with glycine, which is neutral and non-polar, at codon 501 of the LARS2 protein (p.Trp501Gly).

NM_015340.4(LARS2):c.1501T>G (p.Trp501Gly)

Genes: LARS2 (leucyl-tRNA synthetase 2, mitochondrial; plus strand), LARS2-AS1 (LARS2 antisense RNA 1; minus strand). Cytogenetic location: 3p21.31.
Variant type: single nucleotide variant.
Coding change: c.1501T>G on transcript NM_015340.4 (MANE Select); coding-DNA position 1501, T replaced by G.
Protein change: p.Trp501Gly; replaces tryptophan 501 with glycine.
Molecular consequence: missense variant.
Genome position (GRCh38, 1-based): chr3:45,491,778, T>G. VCF-style: chr3-45491778-T-G. GRCh37 (hg19) VCF-style: chr3-45533270-T-G.
Other names: c.1501T>G, p.Trp501Gly (NM_001368263.1); short protein forms W501G.
Identifiers: ClinVar variation 2858395 (VCV002858395.3), dbSNP rs2529021349, ClinGen allele CA352426325.